The following is an entry in ClinVar:

ClinVar aggregate classification (germline): Pathogenic (1 of 4 stars; one submission).

Conditions:
Retinitis pigmentosa 73 (RP73). Identifiers: Orphanet 791, MedGen C4225287, MONDO:0014687, OMIM 616544.
Mucopolysaccharidosis, MPS-III-C (MPS3C). Also called: SANFILIPPO SYNDROME C; MPS III C; Mucopolysaccharidosis type IIIC (Sanfilippo C); MUCOPOLYSACCHARIDOSIS, TYPE IIIC; mucopolysaccharidosis type 3C; MPS IIIC (Sanfilippo Syndrome Type C). Identifiers: Orphanet 581, Orphanet 79271, MedGen C0086649, MONDO:0009657, OMIM 252930.

Submission:

Labcorp Genetics (formerly Invitae), Labcorp
Classification: Pathogenic for Retinitis pigmentosa 73; Mucopolysaccharidosis, MPS-III-C. Last evaluated: 2022-10-04. Review status: criteria provided, single submitter. Criteria: Invitae Variant Classification Sherloc (09022015). Collection method: clinical testing. Allele origin: germline.
Comment: This variant has not been reported in the literature in individuals affected with HGSNAT-related conditions. For these reasons, this variant has been classified as Pathogenic. This variant disrupts a region of the HGSNAT protein in which other variant(s) (p.Trp567*) have been determined to be pathogenic (Invitae). This suggests that this is a clinically significant region of the protein, and that variants that disrupt it are likely to be disease-causing. This variant is not present in population databases (gnomAD no frequency). This sequence change creates a premature translational stop signal (p.Leu566Alafs*25) in the HGSNAT gene. While this is not anticipated to result in nonsense mediated decay, it is expected to disrupt the last 70 amino acid(s) of the HGSNAT protein.

NM_152419.3(HGSNAT):c.1691dup (p.Leu566fs)

Gene: HGSNAT (heparan-alpha-glucosaminide N-acetyltransferase; plus strand). Cytogenetic location: 8p11.21.
Variant type: Duplication.
Coding change: c.1691dup on transcript NM_152419.3 (MANE Select); coding-DNA position 1691, one base duplicated (A; older notation c.1691dupA).
Protein change: p.Leu566fs; shifts the reading frame from leucine 566.
Molecular consequence: frameshift variant.
Genome position (GRCh38, 1-based): chr8:43,197,917, A duplicated; the last of 2 consecutive A bases (chr8:43,197,916-43,197,917); duplicating either gives the same sequence. VCF-style (leftmost placement, unchanged base first): chr8-43197915-G-GA. GRCh37 (hg19) VCF-style: chr8-43053058-G-GA.
Other names: c.1778dup, p.Leu595fs (NM_001363227.2); c.1499dup, p.Leu502fs (NM_001363228.2); c.827dup, p.Leu278fs (NM_001363229.2); short protein forms L502fs, L278fs, L595fs, L566fs.
Identifiers: ClinVar variation 1977688 (VCV001977688.5), dbSNP rs2487118957, ClinGen allele CA2580078516.
Genomic context (GRCh38, chr8:43,197,915, plus strand): 5'-CACTACGCTCAGTTCTTTTGCCTTCTTCATCCTGCTGGTCCTGTACCCAGTTGTGGATGT[G>GA]AAGGGGCTGTGGACAGGAACCCCATTCTTTTATCCAGGTAAGTCACCTCCAACCTCAAAC-3'